The following is an entry in ClinVar:

ClinVar aggregate classification (germline): Uncertain significance (1 of 4 stars; one submission).

Conditions:
Hypertrophic cardiomyopathy. Also called: HYPERTROPHIC MYOCARDIOPATHY. Identifiers: Orphanet 217569, MedGen C0007194, MeSH D002312, MONDO:0005045, HP:0001639.

Submission:

All of Us Research Program, National Institutes of Health
Classification: Uncertain significance for Hypertrophic cardiomyopathy. Last evaluated: 2023-03-23. Review status: criteria provided, single submitter. Criteria: ACMG Guidelines, 2015. Collection method: clinical testing. Allele origin: germline. Inheritance: Autosomal dominant inheritance. Observed: 1 variant allele, 1 heterozygote.
Comment: This missense variant replaces arginine with cysteine at codon 198 of the ACTC1 protein. Computational prediction suggests that this variant may have deleterious impact on protein structure and function (internally defined REVEL score threshold >= 0.7, PMID: 27666373). To our knowledge, functional studies have not been reported for this variant. This variant has not been reported in individuals affected with cardiovascular disorders in the literature. This variant has not been identified in the general population by the Genome Aggregation Database (gnomAD). The available evidence is insufficient to determine the role of this variant in disease conclusively. Therefore, this variant is classified as a Variant of Uncertain Significance.

This study involves interpretation of variants in research participants for the purpose of population health screening. Participant phenotype was not available at the time of variant classification. Additional details can be found in publication PMID: 35346344, PMCID: PMC8962531

NM_005159.5(ACTC1):c.592C>T (p.Arg198Cys)

Genes: GJD2-DT (GJD2 divergent transcript; plus strand), ACTC1 (actin alpha cardiac muscle 1; minus strand). Cytogenetic location: 15q14.
Variant type: single nucleotide variant.
Coding change: c.592C>T on transcript NM_005159.5 (MANE Select); coding-DNA position 592, C replaced by T.
Protein change: p.Arg198Cys; replaces arginine 198 with cysteine.
Molecular consequence: missense variant.
Genome position (GRCh38, 1-based): chr15:34,792,432, G>A on the plus strand (C>T on the coding strand, the complement: ACTC1 is on the minus strand). VCF-style: chr15-34792432-G-A. GRCh37 (hg19) VCF-style: chr15-35084633-G-A.
Other names: c.592C>T, p.Arg198Cys (NM_001406482.1, NM_001406483.1); c.457C>T, p.Arg153Cys (NM_001406484.1); c.151C>T, p.Arg51Cys (NM_001406485.1); short protein forms R153C, R198C, R51C.
Identifiers: ClinVar variation 3075654 (VCV003075654.1), dbSNP rs2504180851, ClinGen allele CA391630893.
Genomic context (GRCh38, chr15:34,792,432, plus strand): 5'-GACCCACACTGTGGCAGATGAGACACACACACTCACCAGTGGTGACAAAGGAGTAGCCAC[G>A]CTCAGTGAGGATCTTCATGAGGTAGTCAGTGAGGTCCCGACCAGCCAGATCCAGACGCAT-3'
Protein context (NP_005150.1, residues 188-208): TDYLMKILTE[Arg198Cys]GYSFVTTAER